The following is an entry in ClinVar:

ClinVar aggregate classification (germline): Uncertain significance. Review status: criteria provided, multiple submitters, no conflicts (2 of 4 stars). 2 submissions from 2 submitters: Uncertain significance (2). Last evaluated 2019-07-18.

Conditions:
Oculotrichoanal syndrome (MOTA). Also called: MARLES SYNDROME; Manitoba Oculotrichoanal (MOTA) Syndrome. Identifiers: Orphanet 2717, MedGen C1855425, MONDO:0009560, OMIM 248450.
BNAR syndrome. Also called: Bifid Nose With or Without Anorectal and Renal Anomalies (BNAR) Syndrome. Identifiers: Orphanet 217266, MedGen C2750433, MONDO:0012165, OMIM 608980.

Allele frequency attached by ClinVar (database versions not stated): gnomAD exomes below 0.00001; ExAC 0.00001; gnomAD 0.00001; TOPMed below 0.00001.
gnomAD v4.1: 7 of 1,607,766 alleles (0.00044%); highest among the groups gnomAD compares: Non-Finnish European, 0.00059%; no homozygotes.

Submissions (2):

Baylor Genetics
Classification: Uncertain significance for BNAR syndrome. Last evaluated: 2019-07-18. Review status: criteria provided, single submitter. Criteria: ACMG Guidelines, 2015. Collection method: clinical testing. Allele origin: unknown. Affected: yes.
Comment: This variant was determined to be of uncertain significance according to ACMG Guidelines, 2015 [PMID:25741868].

Illumina Laboratory Services, Illumina
Classification: Uncertain significance for Oculotrichoanal syndrome. Last evaluated: 2018-01-12. Review status: criteria provided, single submitter. Criteria: ICSL Variant Classification Criteria 13 December 2019. Collection method: clinical testing. Allele origin: germline.

NM_001379081.2(FREM1):c.100G>T (p.Val34Leu)

Gene: FREM1 (FRAS1 related extracellular matrix 1; minus strand). Cytogenetic location: 9p22.3.
Variant type: single nucleotide variant.
Coding change: c.100G>T on transcript NM_001379081.2 (MANE Select); coding-DNA position 100, G replaced by T.
Protein change: p.Val34Leu; replaces valine 34 with leucine.
Molecular consequence: missense variant. On other transcripts: non-coding transcript variant (4).
Genome position (GRCh38, 1-based): chr9:14,868,878, C>A on the plus strand (G>T on the coding strand, the complement: FREM1 is on the minus strand). VCF-style: chr9-14868878-C-A. GRCh37 (hg19) VCF-style: chr9-14868876-C-A.
Other names: c.100G>T, p.Val34Leu (NM_001370060.1, NM_001370063.1, NM_001370065.1 and 1 more transcripts); short protein forms V34L.
Identifiers: ClinVar variation 366176 (VCV000366176.6), dbSNP rs749978636, ClinGen allele CA4991681.